The following is an entry in ClinVar:

NM_014254.3(RXYLT1):c.1180G>A (p.Ala394Thr)

Genes: RXYLT1 (ribitol xylosyltransferase 1; plus strand), RXYLT1-AS1 (RXYLT1 antisense RNA 1; minus strand). Cytogenetic location: 12q14.2.
Variant type: single nucleotide variant.
Coding change: c.1180G>A on transcript NM_014254.3 (MANE Select); coding-DNA position 1180, G replaced by A.
Protein change: p.Ala394Thr; replaces alanine 394 with threonine.
Molecular consequence: missense variant. On other transcripts: non-coding transcript variant (1).
Genome position (GRCh38, 1-based): chr12:63,808,940, G>A. VCF-style: chr12-63808940-G-A. GRCh37 (hg19) VCF-style: chr12-64202720-G-A.
Other names: c.400G>A, p.Ala134Thr (NM_001278237.2); short protein forms A134T, A394T.
Identifiers: ClinVar variation 1019888 (VCV001019888.4), dbSNP rs1898383427, ClinGen allele CA385660351.

ClinVar aggregate classification (germline): Uncertain significance (1 of 4 stars; one submission).

Allele frequency attached by ClinVar (database versions not stated): gnomAD 0.00001; TOPMed 0.00001.
gnomAD v4.1: 1 of 1,613,432 alleles (0.000062%); highest among the groups gnomAD compares: Admixed American, 0.0017%; no homozygotes.

Submission:

Labcorp Genetics (formerly Invitae), Labcorp
Classification: Uncertain significance. Last evaluated: 2021-11-10. Review status: criteria provided, single submitter. Criteria: Invitae Variant Classification Sherloc (09022015). Collection method: clinical testing. Allele origin: germline.
Comment: This sequence change replaces alanine, which is neutral and non-polar, with threonine, which is neutral and polar, at codon 394 of the RXYLT1 protein (p.Ala394Thr). This variant is not present in population databases (gnomAD no frequency). This variant has not been reported in the literature in individuals affected with RXYLT1-related conditions. ClinVar contains an entry for this variant (Variation ID: 1019888). Algorithms developed to predict the effect of missense changes on protein structure and function (SIFT, PolyPhen-2, Align-GVGD) all suggest that this variant is likely to be disruptive. In summary, the available evidence is currently insufficient to determine the role of this variant in disease. Therefore, it has been classified as a Variant of Uncertain Significance.